The following is an entry in ClinVar:

NM_000121.4(EPOR):c.1428C>T (p.Ala476=)

Gene: EPOR (erythropoietin receptor; minus strand). Cytogenetic location: 19p13.2.
Variant type: single nucleotide variant.
Coding change: c.1428C>T on transcript NM_000121.4 (MANE Select); coding-DNA position 1428, C replaced by T.
Protein change: p.Ala476=; no amino-acid change (alanine 476 retained).
Molecular consequence: synonymous variant. On other transcripts: non-coding transcript variant (1).
Genome position (GRCh38, 1-based): chr19:11,378,083, G>A on the plus strand (C>T on the coding strand, the complement: EPOR is on the minus strand). VCF-style: chr19-11378083-G-A. GRCh37 (hg19) VCF-style: chr19-11488759-G-A.
Identifiers: ClinVar variation 328139 (VCV000328139.5), dbSNP rs141096553, ClinGen allele CA9210517.

ClinVar aggregate classification (germline): Likely benign (1 of 4 stars; one submission).

Conditions:
Primary familial polycythemia due to EPO receptor mutation. Also called: ERYTHROCYTOSIS, SOMATIC; POLYCYTHEMIA, PRIMARY FAMILIAL AND CONGENITAL; Primary Familial Congenital Polycythemia; Erythrocytosis, familial, 1. Identifiers: Orphanet 90042, MedGen C4551637, MONDO:0007572, OMIM 133100.

Allele frequency attached by ClinVar (database versions not stated): gnomAD exomes 0.00001 and 0.00004; ExAC 0.00004; ESP Exome Variant Server 0.00008; gnomAD 0.00016 and 0.00017; TOPMed 0.00023; 1000 Genomes Project 30x 0.00031; 1000 Genomes Project 0.00040.
gnomAD v4.1: 45 of 1,613,882 alleles (0.0028%); highest among the groups gnomAD compares: African/African-American, 0.057%; no homozygotes.

Submission:

Illumina Laboratory Services, Illumina
Classification: Likely benign for Primary familial polycythemia due to EPO receptor mutation. Last evaluated: 2018-01-13. Review status: criteria provided, single submitter. Criteria: ICSL Variant Classification Criteria 13 December 2019. Collection method: clinical testing. Allele origin: germline.
Comment: This variant was observed in the ICSL laboratory as part of a predisposition screen in an ostensibly healthy population. It had not been previously curated by ICSL or reported in the Human Gene Mutation Database (HGMD: prior to June 1st, 2018), and was therefore a candidate for classification through an automated scoring system. Utilizing variant allele frequency, disease prevalence and penetrance estimates, and inheritance mode, an automated score was calculated to assess if this variant is too frequent to cause the disease. Based on the score and internal cut-off values, a variant classified as likely benign is not then subjected to further curation. The score for this variant resulted in a classification of likely benign for this disease.